The following is an entry in ClinVar:

ClinVar aggregate classification (germline): Uncertain significance (1 of 4 stars; one submission).

Conditions:
Familial cancer of breast. Also called: BREAST CANCER, FAMILIAL; hereditary breast carcinoma; Hereditary breast cancer. Identifiers: Orphanet 227535, MedGen C0346153, MONDO:0016419, OMIM 114480. Disease mechanism: loss of function.

Submission:

Labcorp Genetics (formerly Invitae), Labcorp
Classification: Uncertain significance for Familial cancer of breast. Last evaluated: 2022-07-21. Review status: criteria provided, single submitter. Criteria: Invitae Variant Classification Sherloc (09022015). Collection method: clinical testing. Allele origin: germline.
Comment: In summary, the available evidence is currently insufficient to determine the role of this variant in disease. Therefore, it has been classified as a Variant of Uncertain Significance. Algorithms developed to predict the effect of missense changes on protein structure and function are either unavailable or do not agree on the potential impact of this missense change (SIFT: "Deleterious"; PolyPhen-2: "Possibly Damaging"; Align-GVGD: "Class C0"). This variant has not been reported in the literature in individuals affected with PALB2-related conditions. This variant is not present in population databases (gnomAD no frequency). This sequence change replaces glutamic acid, which is acidic and polar, with lysine, which is basic and polar, at codon 636 of the PALB2 protein (p.Glu636Lys).

NM_024675.4(PALB2):c.1906G>A (p.Glu636Lys)

Gene: PALB2 (partner and localizer of BRCA2; minus strand). Cytogenetic location: 16p12.2.
Variant type: single nucleotide variant.
Coding change: c.1906G>A on transcript NM_024675.4 (MANE Select); coding-DNA position 1906, G replaced by A.
Protein change: p.Glu636Lys; replaces glutamic acid 636 with lysine.
Molecular consequence: missense variant.
Genome position (GRCh38, 1-based): chr16:23,630,248, C>T on the plus strand (G>A on the coding strand, the complement: PALB2 is on the minus strand). VCF-style: chr16-23630248-C-T. GRCh37 (hg19) VCF-style: chr16-23641569-C-T.
Other names: c.1846G>A, p.Glu616Lys (NM_001407296.1); c.1906G>A, p.Glu636Lys (NM_001407297.1, NM_001407298.1, NM_001407299.1 and 3 more transcripts); c.1021G>A, p.Glu341Lys (NM_001407304.1, NM_001407305.1, NM_001407306.1 and 5 more transcripts); c.118G>A, p.Glu40Lys (NM_001407312.1, NM_001407313.1); short protein forms E341K, E40K, E616K, E636K.
Identifiers: ClinVar variation 1721455 (VCV001721455.5), dbSNP rs2142386346, ClinGen allele CA395127563.